The following is an entry in ClinVar:

ClinVar aggregate classification (germline): Uncertain significance. Review status: criteria provided, multiple submitters, no conflicts (2 of 4 stars). 2 submissions from 2 submitters: Uncertain significance (2). Last evaluated 2022-07-29.

Allele frequency attached by ClinVar (database versions not stated): gnomAD 0.00001; gnomAD exomes 0.00001 and 0.00002; TOPMed 0.00002; ExAC 0.00003; ESP Exome Variant Server 0.00008; 1000 Genomes Project 30x 0.00016; 1000 Genomes Project 0.00020.
gnomAD v4.1: 21 of 1,614,084 alleles (0.0013%); highest among the groups gnomAD compares: East Asian, 0.0089%; 1 homozygote.

Submissions (2):

Labcorp Genetics (formerly Invitae), Labcorp
Classification: Uncertain significance. Last evaluated: 2022-07-29. Review status: criteria provided, single submitter. Criteria: Invitae Variant Classification Sherloc (09022015). Collection method: clinical testing. Allele origin: germline.
Comment: This sequence change replaces proline, which is neutral and non-polar, with leucine, which is neutral and non-polar, at codon 606 of the COL9A1 protein (p.Pro606Leu). This variant is present in population databases (rs151066293, gnomAD 0.007%). This variant has not been reported in the literature in individuals affected with COL9A1-related conditions. ClinVar contains an entry for this variant (Variation ID: 426861). Algorithms developed to predict the effect of missense changes on protein structure and function are either unavailable or do not agree on the potential impact of this missense change (SIFT: "Deleterious"; PolyPhen-2: "Benign"; Align-GVGD: "Class C65"). In summary, the available evidence is currently insufficient to determine the role of this variant in disease. Therefore, it has been classified as a Variant of Uncertain Significance.

GeneDx
Classification: Uncertain significance. Last evaluated: 2017-03-30. Review status: criteria provided, single submitter. Criteria: GeneDx Variant Classification (06012015). Collection method: clinical testing. Allele origin: germline. Affected: yes.
Comment: The P606L variant in the COL9A1 gene has not been reported previously as a pathogenic variant, nor as a benign variant, to our knowledge. The P606L variant is observed in 1/10398 (0.01%) alleles from individuals of African background in the ExAC dataset, and no individuals were reported to be homozygous (Lek et al., 2016). The P606L variant is a semi-conservative amino acid substitution, which may impact secondary protein structure as these residues differ in some properties. This substitution occurs at a position that is conserved in mammals. In silico analysis predicts this variant is probably damaging to the protein structure/function. We interpret P606L as a variant of uncertain significance.

NM_001851.6(COL9A1):c.1817C>T (p.Pro606Leu)

Gene: COL9A1 (collagen type IX alpha 1 chain; minus strand). Cytogenetic location: 6q13.
Variant type: single nucleotide variant.
Coding change: c.1817C>T on transcript NM_001851.6 (MANE Select); coding-DNA position 1817, C replaced by T.
Protein change: p.Pro606Leu; replaces proline 606 with leucine.
Molecular consequence: missense variant. On other transcripts: non-coding transcript variant (1).
Genome position (GRCh38, 1-based): chr6:70,252,263, G>A on the plus strand (C>T on the coding strand, the complement: COL9A1 is on the minus strand). VCF-style: chr6-70252263-G-A. GRCh37 (hg19) VCF-style: chr6-70961966-G-A.
Other names: c.1118C>T, p.Pro373Leu (NM_001377289.1); c.1088C>T, p.Pro363Leu (NM_001377290.1, NM_078485.4); short protein forms P606L, P363L, P373L.
Identifiers: ClinVar variation 426861 (VCV000426861.6), dbSNP rs151066293, ClinGen allele CA3882004.